The following is an entry in ClinVar:

NM_003466.4(PAX8):c.162_163delinsGA (p.Ser54_His55delinsArgAsn)

Genes: PAX8 (paired box 8; minus strand), PAX8-AS1 (PAX8 antisense RNA 1; plus strand). Cytogenetic location: 2q14.1.
Variant type: Indel.
Coding change: c.162_163delinsGA on transcript NM_003466.4 (MANE Select); coding-DNA positions 162 to 163, CC replaced by GA.
Protein change: p.Ser54_His55delinsArgAsn.
Molecular consequence: missense variant.
Genome position (GRCh38, 1-based): chr2:113,246,782-113,246,783, GG replaced by TC on the plus strand (CC replaced by GA on the coding strand, the reverse complement: PAX8 is on the minus strand). VCF-style: chr2-113246782-GG-TC. GRCh37 (hg19) VCF-style: chr2-114004359-GG-TC.
Other names: c.162_163delinsGA, p.Ser54_His55delinsArgAsn (NM_013952.4, NM_013953.4, NM_013992.4).
Identifiers: ClinVar variation 3372163 (VCV003372163.1).

ClinVar aggregate classification (germline): Uncertain significance (1 of 4 stars; one submission).

Submission:

GeneDx
Classification: Uncertain significance. Last evaluated: 2024-04-06. Review status: criteria provided, single submitter. Criteria: GeneDx Variant Classification Process June 2021. Collection method: clinical testing. Allele origin: germline. Affected: yes.
Comment: Not observed at significant frequency in large population cohorts (gnomAD); In silico analysis indicates that this variant does not alter protein structure/function; Has not been previously published as pathogenic or benign to our knowledge